The following is an entry in ClinVar:

ClinVar aggregate classification (germline): Likely pathogenic. Review status: criteria provided, single submitter (1 of 4 stars). 3 submissions from 3 submitters: Likely pathogenic (1). 2 of the submissions do not count toward it. Last evaluated 2021-03-03.

Conditions:
Hereditary breast ovarian cancer syndrome. Also called: Hereditary breast and ovarian cancer syndrome; Hereditary breast and ovarian cancer; Hereditary breast and ovarian cancer syndrome (HBOC); Breast and ovarian cancer; Hereditary breast and/or ovarian cancer syndrome; BRCA1- and BRCA2-Associated Hereditary Breast and Ovarian Cancer. Identifiers: Orphanet 145, MedGen C0677776, MeSH D061325, MONDO:0003582. Disease mechanism: loss of function.
Breast-ovarian cancer, familial, susceptibility to, 2 (BROVCA2). Also called: BRCA2 Hereditary Breast and Ovarian Cancer. Identifiers: Orphanet 145, MedGen C2675520, MONDO:0012933, OMIM 612555. Disease mechanism: loss of function.
Hereditary cancer-predisposing syndrome. Also called: Neoplastic Syndromes, Hereditary; Tumor predisposition; Hereditary neoplastic syndrome; Hereditary Cancer Syndrome. Identifiers: Orphanet 140162, MedGen C0027672, MeSH D009386, MONDO:0015356.

Submissions (3):

Ambry Genetics
Classification: Likely pathogenic for Hereditary cancer-predisposing syndrome. Last evaluated: 2021-03-03. Review status: criteria provided, single submitter. Criteria: Ambry Variant Classification Scheme 2023. Collection method: clinical testing. Allele origin: germline.
Comment: The c.8331+1G>T intronic variant results from a G to T substitution one nucleotide after coding exon 17 of the BRCA2 gene. This nucleotide position is highly conserved in available vertebrate species. This alteration has been observed in multiple individuals with a personal and/or family history of breast and/or ovarian cancer (Palomba G et al. BMC Cancer, 2009 Jul;9:245; Krivokuca A et al. J Hum Genet, 2019 Apr;64:281-290; Hata C et al. J Hum Genet, 2020 Jul;65:577-587). In silico splice site analysis predicts that this alteration will weaken the native splice donor site. This variant demonstrated abnormal splicing in a minigene assay (Fraile-Bethencourt E et al. PLoS Genet, 2017 Mar;13:e1006691). However; two alterations at this donor site, BRCA2 c.8331+2T>C and BRCA2 c.8331+1G>A, resulted in substantial, but incomplete splice defects as ascertained by quantitative RTPCR and allele-specific SNP analyses from patient-derived material (Gelli E et al. Cancers (Basel), 2019 Mar;11; Nix P et al. Fam Cancer, 2021 Jan;). Furthermore, the close match alteration BRCA2 c.8331+2T>C was observed in individuals who collectively do not present with a clinical history seen in typical high-risk hereditary breast and ovarian cancer (HBOC) variant carriers (Nix P et al. Fam Cancer, 2021 Jan;). However, these data cannot rule out the possibility of a hypomorphic variant with atypical risks. Based on the majority of available evidence to date, this variant is likely to be pathogenic. However, carriers of this variant and their families may present with reduced risks, and not with the typical clinical characteristics of a high-risk pathogenic BRCA2 alteration. As risk estimates are unknown at this time, clinical correlation is advised.

Research Molecular Genetics Laboratory, Women's College Hospital, University of Toronto
Classification: Pathogenic for Hereditary breast ovarian cancer syndrome. Last evaluated: 2014-01-31. Review status: no assertion criteria provided. Collection method: research. Allele origin: germline. Affected: yes. Study: The Canadian Open Genetics Repository (COGR). Not counted in ClinVar's aggregate classification.

Breast Cancer Information Core (BIC) (BRCA2)
Classification: Pathogenic for Breast-ovarian cancer, familial 2. Review status: no assertion criteria provided. Collection method: clinical testing. Allele origin: germline. Affected: yes. Observed: 1 variant allele. Not counted in ClinVar's aggregate classification.

Literature cited by the submitters: PubMed 19619314 (cited by Ambry Genetics); PubMed 28339459 (cited by Ambry Genetics); PubMed 30651582 (cited by Ambry Genetics); PubMed 30832263 (cited by Ambry Genetics); PubMed 32029870 (cited by Ambry Genetics); PubMed 33469799 (cited by Ambry Genetics).

NM_000059.4(BRCA2):c.8331+1G>T

Gene: BRCA2 (BRCA2 DNA repair associated; plus strand). Cytogenetic location: 13q13.1.
Variant type: single nucleotide variant.
Coding change: c.8331+1G>T on transcript NM_000059.4 (MANE Select); the canonical splice donor site of the intron after coding-DNA position 8331, G replaced by T.
Molecular consequence: splice donor variant.
Genome position (GRCh38, 1-based): chr13:32,363,534, G>T. VCF-style: chr13-32363534-G-T. GRCh37 (hg19) VCF-style: chr13-32937671-G-T.
Other names: IVS18+1G>T; c.8331+1G>T (NM_001406720.1); c.8235+1G>T (NM_001406719.1); c.3399+1G>T (NM_001406721.1); c.1914+1G>T (NM_001406722.1).
Identifiers: ClinVar variation 52550 (VCV000052550.6), dbSNP rs81002837, ClinGen allele CA025579.